The following is an entry in ClinVar:

NM_014714.4(IFT140):c.2984G>T (p.Gly995Val)

Genes: IFT140 (intraflagellar transport 140; minus strand), LOC126862260 (CDK7 strongly-dependent group 2 enhancer GRCh37_chr16:1574508-1575707; plus strand). Cytogenetic location: 16p13.3.
Variant type: single nucleotide variant.
Coding change: c.2984G>T on transcript NM_014714.4 (MANE Select); coding-DNA position 2984, G replaced by T.
Protein change: p.Gly995Val; replaces glycine 995 with valine.
Molecular consequence: missense variant.
Genome position (GRCh38, 1-based): chr16:1,524,797, C>A on the plus strand (G>T on the coding strand, the complement: IFT140 is on the minus strand). VCF-style: chr16-1524797-C-A. GRCh37 (hg19) VCF-style: chr16-1574798-C-A.
Other names: short protein forms G995V.
Identifiers: ClinVar variation 1384028 (VCV001384028.8), dbSNP rs772919008, ClinGen allele CA7813399.

ClinVar aggregate classification (germline): Uncertain significance (1 of 4 stars; one submission).

Conditions:
Saldino-Mainzer syndrome (SRTD9). Also called: CONORENAL SYNDROME; Renal dysplasia, retinal pigmentary dystrophy, cerebellar ataxia and skeletal dysplasia; SHORT-RIB THORACIC DYSPLASIA 9 WITHOUT POLYDACTYLY; short-rib thoracic dysplasia 9 with or without polydactyly. Identifiers: Orphanet 140969, MedGen C1849437, MONDO:0009964, OMIM 266920.

Allele frequency attached by ClinVar (database versions not stated): gnomAD exomes below 0.00001; ExAC 0.00001; gnomAD 0.00001; TOPMed 0.00002.
gnomAD v4.1: 6 of 1,609,720 alleles (0.00037%); highest among the groups gnomAD compares: African/African-American, 0.0067%; no homozygotes.

Submission:

Labcorp Genetics (formerly Invitae), Labcorp
Classification: Uncertain significance for Saldino-Mainzer syndrome. Last evaluated: 2024-08-30. Review status: criteria provided, single submitter. Criteria: Invitae Variant Classification Sherloc (09022015). Collection method: clinical testing. Allele origin: germline.
Comment: This sequence change replaces glycine, which is neutral and non-polar, with valine, which is neutral and non-polar, at codon 995 of the IFT140 protein (p.Gly995Val). This variant is present in population databases (rs772919008, gnomAD 0.008%). This variant has not been reported in the literature in individuals affected with IFT140-related conditions. ClinVar contains an entry for this variant (Variation ID: 1384028). Invitae Evidence Modeling of protein sequence and biophysical properties (such as structural, functional, and spatial information, amino acid conservation, physicochemical variation, residue mobility, and thermodynamic stability) has been performed for this missense variant. However, the output from this modeling did not meet the statistical confidence thresholds required to predict the impact of this variant on IFT140 protein function. In summary, the available evidence is currently insufficient to determine the role of this variant in disease. Therefore, it has been classified as a Variant of Uncertain Significance.